The following is an entry in ClinVar:

ClinVar aggregate classification (germline): Uncertain significance (1 of 4 stars; one submission).

Conditions:
Brugada syndrome 5 (BRGDA5). Identifiers: Orphanet 130, Orphanet 871, MedGen C2748541, MONDO:0013015, OMIM 612838.

Allele frequency attached by ClinVar (database versions not stated): gnomAD exomes below 0.00001; ExAC 0.00001.
gnomAD v4.1: 3 of 1,613,846 alleles (0.00019%); highest among the groups gnomAD compares: East Asian, 0.0067%; no homozygotes.

Submission:

Labcorp Genetics (formerly Invitae), Labcorp
Classification: Uncertain significance for Brugada syndrome 5. Last evaluated: 2023-11-13. Review status: criteria provided, single submitter. Criteria: Invitae Variant Classification Sherloc (09022015). Collection method: clinical testing. Allele origin: germline.
Comment: This sequence change replaces leucine, which is neutral and non-polar, with proline, which is neutral and non-polar, at codon 80 of the SCN1B protein (p.Leu80Pro). This variant is present in population databases (rs774417646, gnomAD 0.01%). This variant has not been reported in the literature in individuals affected with SCN1B-related conditions. An algorithm developed to predict the effect of missense changes on protein structure and function (PolyPhen-2) suggests that this variant is likely to be tolerated. In summary, the available evidence is currently insufficient to determine the role of this variant in disease. Therefore, it has been classified as a Variant of Uncertain Significance.

NM_001037.5(SCN1B):c.239T>C (p.Leu80Pro)

Gene: SCN1B (sodium voltage-gated channel beta subunit 1; plus strand). Cytogenetic location: 19q13.11.
Variant type: single nucleotide variant.
Coding change: c.239T>C on transcript NM_001037.5 (MANE Select); coding-DNA position 239, T replaced by C.
Protein change: p.Leu80Pro; replaces leucine 80 with proline.
Molecular consequence: missense variant.
Genome position (GRCh38, 1-based): chr19:35,033,530, T>C. VCF-style: chr19-35033530-T-C. GRCh37 (hg19) VCF-style: chr19-35524434-T-C.
Other names: c.140T>C, p.Leu47Pro (NM_001321605.2); c.239T>C, p.Leu80Pro (NM_199037.5); short protein forms L47P, L80P.
Identifiers: ClinVar variation 2843646 (VCV002843646.3), dbSNP rs774417646, ClinGen allele CA9371994.
Genomic context (GRCh38, chr19:35,033,530, plus strand): 5'-GACACCTTCCCCTCCCTGGCTACCCCTAGATCCTGCGCTATGAGAATGAGGTGTTGCAGC[T>C]GGAGGAGGATGAGCGCTTCGAGGGCCGCGTGGTGTGGAATGGCAGCCGGGGCACCAAAGA-3'
Protein context (NP_001028.1, residues 70-90): ILRYENEVLQ[Leu80Pro]EEDERFEGRV